The following is an entry in ClinVar:

NM_001184880.2(PCDH19):c.1993_1994delinsAA (p.Ala665Asn)

Gene: PCDH19 (protocadherin 19; minus strand). Cytogenetic location: Xq22.1.
Variant type: Indel.
Coding change: c.1993_1994delinsAA on transcript NM_001184880.2 (MANE Select); coding-DNA positions 1993 to 1994, GC replaced by AA.
Protein change: p.Ala665Asn; replaces alanine 665 with asparagine.
Molecular consequence: missense variant.
Genome position (GRCh38, 1-based): chrX:100,406,604-100,406,605, GC replaced by TT on the plus strand (GC replaced by AA on the coding strand, the reverse complement: PCDH19 is on the minus strand). VCF-style: chrX-100406604-GC-TT. GRCh37 (hg19) VCF-style: chrX-99661602-GC-TT.
Other names: c.1993_1994delinsAA, p.Ala665Asn (NM_001105243.2, NM_020766.3); short protein forms A665N.
Identifiers: ClinVar variation 2768941 (VCV002768941.3), dbSNP rs2520976344, ClinGen allele CA2697553218.

ClinVar aggregate classification (germline): Uncertain significance (1 of 4 stars; one submission).

Conditions:
Developmental and epileptic encephalopathy, 9 (DEE9). Also called: PCDH19-Related X-Linked Female-Limited Epilepsy with Mental Retardation; Early infantile epileptic encephalopathy 9; JUBERG-HELLMAN SYNDROME; EPILEPSY, FEMALE-RESTRICTED, WITH MENTAL RETARDATION. Identifiers: Orphanet 101039, Orphanet 2076, MedGen C1848137, MONDO:0010246, OMIM 300088. Disease mechanism: loss of function.

Submission:

Labcorp Genetics (formerly Invitae), Labcorp
Classification: Uncertain significance for Developmental and epileptic encephalopathy, 9. Last evaluated: 2023-10-16. Review status: criteria provided, single submitter. Criteria: Invitae Variant Classification Sherloc (09022015). Collection method: clinical testing. Allele origin: germline.
Comment: This sequence change replaces alanine, which is neutral and non-polar, with asparagine, which is neutral and polar, at codon 665 of the PCDH19 protein (p.Ala665Asn). Information on the frequency of this variant in the gnomAD database is not available, as this variant may be reported differently in the database. This variant has not been reported in the literature in individuals affected with PCDH19-related conditions. An algorithm developed to predict the effect of missense changes on protein structure and function (PolyPhen-2) suggests that this variant is likely to be tolerated. In summary, the available evidence is currently insufficient to determine the role of this variant in disease. Therefore, it has been classified as a Variant of Uncertain Significance.